The following is an entry in ClinVar:

NM_031935.3(HMCN1):c.16077G>C (p.Arg5359Ser)

Gene: HMCN1 (hemicentin 1; plus strand). Cytogenetic location: 1q31.1.
Variant type: single nucleotide variant.
Coding change: c.16077G>C on transcript NM_031935.3 (MANE Select); coding-DNA position 16077, G replaced by C.
Protein change: p.Arg5359Ser; replaces arginine 5359 with serine.
Molecular consequence: missense variant.
Genome position (GRCh38, 1-based): chr1:186,178,549, G>C. VCF-style: chr1-186178549-G-C. GRCh37 (hg19) VCF-style: chr1-186147681-G-C.
Other names: short protein forms R5359S.
Identifiers: ClinVar variation 1721418 (VCV001721418.5), dbSNP rs2528262552, ClinGen allele CA343937932.

ClinVar aggregate classification (germline): Uncertain significance (1 of 4 stars; one submission).

Submission:

Labcorp Genetics (formerly Invitae), Labcorp
Classification: Uncertain significance. Last evaluated: 2022-10-10. Review status: criteria provided, single submitter. Criteria: Invitae Variant Classification Sherloc (09022015). Collection method: clinical testing. Allele origin: germline.
Comment: In summary, the available evidence is currently insufficient to determine the role of this variant in disease. Therefore, it has been classified as a Variant of Uncertain Significance. Algorithms developed to predict the effect of missense changes on protein structure and function (SIFT, PolyPhen-2, Align-GVGD) all suggest that this variant is likely to be disruptive. This variant has not been reported in the literature in individuals affected with HMCN1-related conditions. This variant is not present in population databases (gnomAD no frequency). This sequence change replaces arginine, which is basic and polar, with serine, which is neutral and polar, at codon 5359 of the HMCN1 protein (p.Arg5359Ser).